The following is an entry in ClinVar:

NM_001256545.2(MEGF10):c.2530C>T (p.Arg844Ter)

Gene: MEGF10 (multiple EGF like domains 10; plus strand). Cytogenetic location: 5q23.2.
Variant type: single nucleotide variant.
Coding change: c.2530C>T on transcript NM_001256545.2 (MANE Select); coding-DNA position 2530, C replaced by T.
Protein change: p.Arg844Ter; replaces arginine 844 with a stop codon.
Molecular consequence: nonsense.
Genome position (GRCh38, 1-based): chr5:127,445,495, C>T. VCF-style: chr5-127445495-C-T. GRCh37 (hg19) VCF-style: chr5-126781187-C-T.
Other names: c.2530C>T, p.Arg844Ter (NM_032446.3); short protein forms R844*.
Identifiers: ClinVar variation 952135 (VCV000952135.8), dbSNP rs1765909318, ClinGen allele CA360734605.

ClinVar aggregate classification (germline): Pathogenic (1 of 4 stars; one submission).

Conditions:
MEGF10-related myopathy (CMYO10A). Also called: Congenital myopathy 10A, severe variant. Identifiers: Orphanet 439212, MedGen C3280679, MONDO:0013731, OMIM 614399.

gnomAD v4.1: 2 of 1,614,042 alleles (0.00012%); highest among the groups gnomAD compares: Non-Finnish European, 0.00017%; no homozygotes.

Submission:

Labcorp Genetics (formerly Invitae), Labcorp
Classification: Pathogenic for MEGF10-related myopathy. Last evaluated: 2025-08-03. Review status: criteria provided, single submitter. Criteria: Invitae Variant Classification Sherloc (09022015). Collection method: clinical testing. Allele origin: germline.
Comment: This sequence change creates a premature translational stop signal (p.Arg844*) in the MEGF10 gene. It is expected to result in an absent or disrupted protein product. Loss-of-function variants in MEGF10 are known to be pathogenic (PMID: 22101682, 22371254, 23453856, 23954233). This variant is not present in population databases (gnomAD no frequency). This variant has not been reported in the literature in individuals affected with MEGF10-related conditions. ClinVar contains an entry for this variant (Variation ID: 952135). For these reasons, this variant has been classified as Pathogenic.

Literature cited by the submitters: PubMed 22101682; PubMed 22371254; PubMed 23453856; PubMed 23954233.